The following is an entry in ClinVar:

ClinVar aggregate classification (germline): Uncertain significance (1 of 4 stars; one submission).

Conditions:
Tuberous sclerosis 2 (TSC2). Identifiers: Orphanet 805, MedGen C1860707, MONDO:0013199, OMIM 613254.

Submission:

Labcorp Genetics (formerly Invitae), Labcorp
Classification: Uncertain significance for Tuberous sclerosis 2. Last evaluated: 2024-03-06. Review status: criteria provided, single submitter. Criteria: Invitae Variant Classification Sherloc (09022015). Collection method: clinical testing. Allele origin: germline.
Comment: This sequence change replaces aspartic acid, which is acidic and polar, with valine, which is neutral and non-polar, at codon 781 of the TSC2 protein (p.Asp781Val). This variant is not present in population databases (gnomAD no frequency). This variant has not been reported in the literature in individuals affected with TSC2-related conditions. Advanced modeling of protein sequence and biophysical properties (such as structural, functional, and spatial information, amino acid conservation, physicochemical variation, residue mobility, and thermodynamic stability) performed at Invitae indicates that this missense variant is not expected to disrupt TSC2 protein function with a negative predictive value of 95%. In summary, the available evidence is currently insufficient to determine the role of this variant in disease. Therefore, it has been classified as a Variant of Uncertain Significance.

NM_000548.5(TSC2):c.2342A>T (p.Asp781Val)

Gene: TSC2 (TSC complex subunit 2; plus strand). Cytogenetic location: 16p13.3.
Variant type: single nucleotide variant.
Coding change: c.2342A>T on transcript NM_000548.5 (MANE Select); coding-DNA position 2342, A replaced by T.
Protein change: p.Asp781Val; replaces aspartic acid 781 with valine.
Molecular consequence: missense variant. On other transcripts: non-coding transcript variant (5).
Genome position (GRCh38, 1-based): chr16:2,072,970, A>T. VCF-style: chr16-2072970-A-T. GRCh37 (hg19) VCF-style: chr16-2122971-A-T.
Other names: c.998A>T, p.Asp333Val (NM_001406691.1, NM_001406692.1, NM_001406693.1 and 6 more transcripts); c.740A>T, p.Asp247Val (NM_001406698.1); c.2342A>T, p.Asp781Val (NM_021055.3, NM_001077183.3, NM_001114382.3 and 6 more transcripts); c.1742A>T, p.Asp581Val (NM_001406680.1, NM_001406682.1, NM_001406683.1 and 6 more transcripts); c.1880A>T, p.Asp627Val (NM_001406681.1); c.2195A>T, p.Asp732Val (NM_001406676.1, NM_001406679.1, NM_001318829.2 and 1 more transcripts); c.2285A>T, p.Asp762Val (NM_001406677.1); c.2231A>T, p.Asp744Val (NM_001406678.1, NM_001318827.2, NM_001406670.1); and 3 more; short protein forms D247V, D581V, D627V, D781V, D333V, D744V, D811V, D732V.
Identifiers: ClinVar variation 3637202 (VCV003637202.2).